The following is an entry in ClinVar:

ClinVar aggregate classification (germline): Uncertain significance (1 of 4 stars; one submission).

Submission:

CeGaT Center for Human Genetics Tuebingen
Classification: Uncertain significance. Last evaluated: 2022-05-01. Review status: criteria provided, single submitter. Criteria: CeGaT Center For Human Genetics Tuebingen Variant Classification Criteria Version 2. Collection method: clinical testing. Allele origin: germline. Affected: yes. Observed: 1 variant allele.
Comment: SREBF1: PM2

NM_004176.5(SREBF1):c.1473C>G (p.Cys491Trp)

Gene: SREBF1 (sterol regulatory element binding transcription factor 1; minus strand). Cytogenetic location: 17p11.2.
Variant type: single nucleotide variant.
Coding change: c.1473C>G on transcript NM_004176.5 (MANE Select); coding-DNA position 1473, C replaced by G.
Protein change: p.Cys491Trp; replaces cysteine 491 with tryptophan.
Molecular consequence: missense variant. On other transcripts: non-coding transcript variant (4), intron variant (1).
Genome position (GRCh38, 1-based): chr17:17,817,389, G>C on the plus strand (C>G on the coding strand, the complement: SREBF1 is on the minus strand). VCF-style: chr17-17817389-G-C. GRCh37 (hg19) VCF-style: chr17-17720703-G-C.
Other names: c.1563C>G, p.Cys521Trp (NM_001005291.3); c.1401C>G, p.Cys467Trp (NM_001321096.3); c.1473C>G, p.Cys491Trp (NM_001388385.1, NM_001388386.1); c.1512C>G, p.Cys504Trp (NM_001388387.1); c.1428C>G, p.Cys476Trp (NM_001388388.1); c.1467C>G, p.Cys489Trp (NM_001388389.1); c.1455C>G, p.Cys485Trp (NM_001388390.1); c.1446C>G, p.Cys482Trp (NM_001388391.1); and 3 more; short protein forms C347W, C417W, C467W, C476W, C482W, C485W, C489W, C491W.
Identifiers: ClinVar variation 2647533 (VCV002647533.24), dbSNP rs2543770605, ClinGen allele CA398565032.